The following is an entry in ClinVar:

NM_005045.4(RELN):c.7181-24C>T

Gene: RELN (reelin; minus strand). Cytogenetic location: 7q22.1.
Variant type: single nucleotide variant.
Coding change: c.7181-24C>T on transcript NM_005045.4 (MANE Select); 24 bases into the intron before coding-DNA position 7181, C replaced by T.
Molecular consequence: intron variant.
Genome position (GRCh38, 1-based): chr7:103,535,508, G>A on the plus strand (C>T on the coding strand, the complement: RELN is on the minus strand). VCF-style: chr7-103535508-G-A. GRCh37 (hg19) VCF-style: chr7-103175955-G-A.
Other names: c.7181-24C>T (NM_173054.3).
Identifiers: ClinVar variation 3035731 (VCV003035731.2), dbSNP rs192500474, ClinGen allele CA4420787.

ClinVar aggregate classification (germline): Likely benign (0 of 4 stars; one submission).

Conditions:
RELN-related disorder. Also called: RELN-related condition.

Allele frequency attached by ClinVar (database versions not stated): 1000 Genomes Project 0.00100; TOPMed 0.00114; gnomAD 0.00116; ESP Exome Variant Server 0.00131; 1000 Genomes Project 30x 0.00141.
gnomAD v4.1: 2,475 of 1,601,052 alleles (0.15%); highest among the groups gnomAD compares: Non-Finnish European, 0.19%; 1 homozygote.

Submission:

PreventionGenetics, part of Exact Sciences
Classification: Likely benign for RELN-related condition. Last evaluated: 2022-11-09. Review status: no assertion criteria provided. Collection method: clinical testing. Allele origin: germline.
Comment: This variant is classified as likely benign based on ACMG/AMP sequence variant interpretation guidelines (Richards et al. 2015 PMID: 25741868, with internal and published modifications).